The following is an entry in ClinVar:

NM_004211.5(SLC6A5):c.322C>T (p.Pro108Ser)

Gene: SLC6A5 (solute carrier family 6 member 5; plus strand). Cytogenetic location: 11p15.1.
Variant type: single nucleotide variant.
Coding change: c.322C>T on transcript NM_004211.5 (MANE Select); coding-DNA position 322, C replaced by T.
Protein change: p.Pro108Ser; replaces proline 108 with serine.
Molecular consequence: missense variant. On other transcripts: 5 prime UTR variant (1).
Genome position (GRCh38, 1-based): chr11:20,601,447, C>T. VCF-style: chr11-20601447-C-T. GRCh37 (hg19) VCF-style: chr11-20622993-C-T.
Other names: c.-242C>T (NM_001318369.2); c.322C>T (NM_004211.3); short protein forms P108S.
Identifiers: ClinVar variation 1430828 (VCV001430828.9), dbSNP rs774582809, ClinGen allele CA379911972.

ClinVar aggregate classification (germline): Uncertain significance. Review status: criteria provided, multiple submitters, no conflicts (2 of 4 stars). 2 submissions from 2 submitters: Uncertain significance (2). Last evaluated 2025-06-03.

Conditions:
Hyperekplexia 3 (HKPX3). Also called: HYPEREKPLEXIA 3, AUTOSOMAL RECESSIVE; HYPEREKPLEXIA 3, AUTOSOMAL DOMINANT. Identifiers: Orphanet 3197, MedGen C3553288, MONDO:0013827, OMIM 614618.
Inborn genetic diseases. Identifiers: MedGen C0950123, MeSH D030342.

Allele frequency attached by ClinVar (database versions not stated): gnomAD 0.00001.
gnomAD v4.1: 1 of 1,608,480 alleles (0.000062%); highest among the groups gnomAD compares: Non-Finnish European, 0.000085%; no homozygotes.

Submissions (2):

Ambry Genetics
Classification: Uncertain significance for Inborn genetic diseases. Last evaluated: 2025-06-03. Review status: criteria provided, single submitter. Criteria: Ambry Variant Classification Scheme 2023. Collection method: clinical testing. Allele origin: germline.

Labcorp Genetics (formerly Invitae), Labcorp
Classification: Uncertain significance for Hyperekplexia 3. Last evaluated: 2021-06-19. Review status: criteria provided, single submitter. Criteria: Invitae Variant Classification Sherloc (09022015). Collection method: clinical testing. Allele origin: germline.
Comment: In summary, the available evidence is currently insufficient to determine the role of this variant in disease. Therefore, it has been classified as a Variant of Uncertain Significance. Advanced modeling of protein sequence and biophysical properties (such as structural, functional, and spatial information, amino acid conservation, physicochemical variation, residue mobility, and thermodynamic stability) performed at Invitae indicates that this missense variant is not expected to disrupt SLC6A5 protein function. This variant has not been reported in the literature in individuals with SLC6A5-related conditions. This variant is not present in population databases (ExAC no frequency). This sequence change replaces proline with serine at codon 108 of the SLC6A5 protein (p.Pro108Ser). The proline residue is moderately conserved and there is a moderate physicochemical difference between proline and serine.